The following is an entry in ClinVar:

ClinVar aggregate classification (germline): Likely benign (1 of 4 stars; one submission).

gnomAD v4.1: 166 of 1,612,876 alleles (0.01%); highest among the groups gnomAD compares: Middle Eastern, 0.033%; no homozygotes.

Submission:

CeGaT Center for Human Genetics Tuebingen
Classification: Likely benign. Last evaluated: 2026-09-01. Review status: criteria provided, single submitter. Criteria: CeGaT Center For Human Genetics Tuebingen Variant Classification Criteria Version 2. Collection method: clinical testing. Allele origin: germline. Affected: yes. Observed: 3 variant alleles.
Comment: KDM6B: BP4, BP7

NM_001348716.2(KDM6B):c.4452C>T (p.Asn1484=)

Genes: KDM6B (lysine demethylase 6B; plus strand), LOC121587574 (Sharpr-MPRA regulatory region 3930; plus strand). Cytogenetic location: 17p13.1.
Variant type: single nucleotide variant.
Coding change: c.4452C>T on transcript NM_001348716.2 (MANE Select); coding-DNA position 4452, C replaced by T.
Protein change: p.Asn1484=; no amino-acid change (asparagine 1484 retained).
Molecular consequence: synonymous variant.
Genome position (GRCh38, 1-based): chr17:7,852,320, C>T. VCF-style: chr17-7852320-C-T. GRCh37 (hg19) VCF-style: chr17-7755638-C-T.
Other names: c.4452C>T, p.Asn1484= (NM_001080424.2).
Identifiers: ClinVar variation 4872073 (VCV004872073.2).